The following is an entry in ClinVar:

NM_022336.4(EDAR):c.*1678C>T

Genes: EDAR (ectodysplasin A receptor; minus strand), RANBP2 (RAN binding protein 2; plus strand). Cytogenetic location: 2q13.
Variant type: single nucleotide variant.
Coding change: c.*1678C>T on transcript NM_022336.4 (MANE Select); 1678 bases downstream of the stop codon, C replaced by T.
Molecular consequence: 3 prime UTR variant.
Genome position (GRCh38, 1-based): chr2:108,895,229, G>A on the plus strand (C>T on the coding strand, the complement: EDAR is on the minus strand). VCF-style: chr2-108895229-G-A. GRCh37 (hg19) VCF-style: chr2-109511685-G-A.
Identifiers: ClinVar variation 893028 (VCV000893028.4), dbSNP rs565595816, ClinGen allele CA53463152.

ClinVar aggregate classification (germline): Benign (1 of 4 stars; one submission).

Conditions:
Hypohidrotic ectodermal dysplasia (HED). Identifiers: Orphanet 238468, MedGen C5848103, MONDO:0016535, HP:0007607.

Allele frequency attached by ClinVar (database versions not stated): gnomAD 0.00002 and 0.00003; TOPMed 0.00005; 1000 Genomes Project 30x 0.00031; 1000 Genomes Project 0.00040.
gnomAD v4.1: 5 of 152,698 alleles (0.0033%); highest among the groups gnomAD compares: East Asian, 0.097%; no homozygotes.

Submission:

Illumina Laboratory Services, Illumina
Classification: Benign for Hypohidrotic ectodermal dysplasia. Last evaluated: 2018-01-13. Review status: criteria provided, single submitter. Criteria: ICSL Variant Classification Criteria 13 December 2019. Collection method: clinical testing. Allele origin: germline.
Comment: This variant was observed in the ICSL laboratory as part of a predisposition screen in an ostensibly healthy population. It had not been previously curated by ICSL or reported in the Human Gene Mutation Database (HGMD: prior to June 1st, 2018), and was therefore a candidate for classification through an automated scoring system. Utilizing variant allele frequency, disease prevalence and penetrance estimates, and inheritance mode, an automated score was calculated to assess if this variant is too frequent to cause the disease. Based on the score and internal cut-off values, a variant classified as benign is not then subjected to further curation. The score for this variant resulted in a classification of benign for this disease.